The following is an entry in ClinVar:

NM_025114.4(CEP290):c.205G>A (p.Ala69Thr)

Gene: CEP290 (centrosomal protein 290; minus strand). Cytogenetic location: 12q21.32.
Variant type: single nucleotide variant.
Coding change: c.205G>A on transcript NM_025114.4 (MANE Select); coding-DNA position 205, G replaced by A.
Protein change: p.Ala69Thr; replaces alanine 69 with threonine.
Molecular consequence: missense variant.
Genome position (GRCh38, 1-based): chr12:88,139,540, C>T on the plus strand (G>A on the coding strand, the complement: CEP290 is on the minus strand). VCF-style: chr12-88139540-C-T. GRCh37 (hg19) VCF-style: chr12-88533317-C-T.
Other names: short protein forms A69T.
Identifiers: ClinVar variation 4999845 (VCV004999845.1).

ClinVar aggregate classification (germline): Uncertain significance (1 of 4 stars; one submission).

Conditions:
CEP290-related disorder. Also called: CEP290-related disorders; CEP290-related condition. Identifiers: MedGen CN239314.

Submission:

PreventionGenetics, part of Exact Sciences
Classification: Uncertain significance for CEP290-related condition. Last evaluated: 2025-02-09. Review status: criteria provided, single submitter. Criteria: ACMG Guidelines, 2015. Collection method: clinical testing. Allele origin: germline.
Comment: The CEP290 c.205G>A variant is predicted to result in the amino acid substitution p.Ala69Thr. To our knowledge, this variant has not been reported in the literature or in a large population database (gnomAD), indicating this variant is rare. At this time, the clinical significance of this variant is uncertain due to the absence of conclusive functional and genetic evidence.